The following is an entry in ClinVar:

ClinVar aggregate classification (germline): Conflicting classifications of pathogenicity. Review status: criteria provided, conflicting classifications (1 of 4 stars). 4 submissions from 4 submitters: Uncertain significance (1); Likely benign (3). Last evaluated 2026-01-15.

Conditions:
Hereditary cancer-predisposing syndrome. Also called: Tumor predisposition; Hereditary Cancer Syndrome; Hereditary neoplastic syndrome; Neoplastic Syndromes, Hereditary. Identifiers: Orphanet 140162, MedGen C0027672, MeSH D009386, MONDO:0015356.
Familial cancer of breast. Also called: BREAST CANCER, FAMILIAL; hereditary breast carcinoma; Hereditary breast cancer. Identifiers: Orphanet 227535, MedGen C0346153, MONDO:0016419, OMIM 114480. Disease mechanism: loss of function.

Allele frequency attached by ClinVar (database versions not stated): gnomAD exomes below 0.00001.
gnomAD v4.1: 5 of 1,590,578 alleles (0.00031%); highest among the groups gnomAD compares: Non-Finnish European, 0.00026%; no homozygotes.

Submissions (4):

Labcorp Genetics (formerly Invitae), Labcorp
Classification: Likely benign for Familial cancer of breast. Last evaluated: 2026-01-15. Review status: criteria provided, single submitter. Criteria: Invitae Variant Classification Sherloc (09022015). Collection method: clinical testing. Allele origin: germline.

Blueprint Genetics
Classification: Likely benign. Last evaluated: 2024-11-15. Review status: criteria provided, single submitter. Criteria: ACMG Guidelines, 2015. Collection method: clinical testing. Allele origin: germline.

GeneDx
Classification: Uncertain significance. Last evaluated: 2017-12-12. Review status: criteria provided, single submitter. Criteria: GeneDx Variant Classification (06012015). Collection method: clinical testing. Allele origin: germline. Affected: yes.
Comment: This variant is denoted BARD1 c.1904-17T>A or IVS9-17T>A and consists of a T>A nucleotide substitution at the -17 position of intron 9 of the BARD1 gene. In-silico analysis, which includes splice predictors and evolutionary conservation, supports a deleterious effect; however, in the absence of RNA or functional studies, the actual effect of this variant is unknown.? This variant has not, to our knowledge, been published in the literature as pathogenic or benign. This variant was not observed in large population cohorts (Lek 2016). The thymine (T) nucleotide that is altered is not conserved. Based on currently available evidence, it is unclear whether BARD1 c.1904-17T>A is a pathogenic or benign variant. We consider it to be a variant of uncertain significance.

Color Diagnostics, LLC DBA Color Health
Classification: Likely benign for Hereditary cancer-predisposing syndrome. Last evaluated: 2016-12-16. Review status: criteria provided, single submitter. Criteria: ACMG Guidelines, 2015. Collection method: clinical testing. Allele origin: germline.

NM_000465.4(BARD1):c.1904-17T>A

Gene: BARD1 (BRCA1 associated RING domain 1; minus strand). Cytogenetic location: 2q35.
Variant type: single nucleotide variant.
Coding change: c.1904-17T>A on transcript NM_000465.4 (MANE Select); 17 bases into the intron before coding-DNA position 1904, T replaced by A.
Molecular consequence: intron variant.
Genome position (GRCh38, 1-based): chr2:214,730,525, A>T on the plus strand (T>A on the coding strand, the complement: BARD1 is on the minus strand). VCF-style: chr2-214730525-A-T. GRCh37 (hg19) VCF-style: chr2-215595249-A-T.
Other names: c.1904-17T>A (LRG_297t1); c.494-17T>A (NM_001282548.2); c.1847-17T>A (NM_001282543.2); c.551-17T>A (NM_001282545.2); c.365-17T>A (NM_001282549.2).
Identifiers: ClinVar variation 421920 (VCV000421920.14), dbSNP rs1064795448, ClinGen allele CA16617432.
Genomic context (GRCh38, chr2:214,730,525, plus strand): 5'-TTCTTCCTGTTCACATACTTTTCTTCGTAGACATGCTTTTACCCCTGACAAAAACACAAG[A>T]ATTAAAGCAAACTAAGTATCAAGTGAGCACTATATCTCTCTCATTAAAATCAAGCAATTT-3'